The following is an entry in ClinVar:

ClinVar aggregate classification (germline): Uncertain significance (1 of 4 stars; one submission).

Conditions:
Charcot-Marie-Tooth disease axonal type 2O. Also called: CHARCOT-MARIE-TOOTH NEUROPATHY, AXONAL, TYPE 2O; CHARCOT-MARIE-TOOTH DISEASE, AXONAL, AUTOSOMAL DOMINANT, TYPE 2O; Charcot-Marie-Tooth disease, axonal, type 20; Charcot-Marie-Tooth Neuropathy Type 2O. Identifiers: Orphanet 284232, MedGen C3280220, MONDO:0013644, OMIM 614228.

Submission:

Labcorp Genetics (formerly Invitae), Labcorp
Classification: Uncertain significance for Charcot-Marie-Tooth disease axonal type 2O. Last evaluated: 2020-04-13. Review status: criteria provided, single submitter. Criteria: Invitae Variant Classification Sherloc (09022015). Collection method: clinical testing. Allele origin: germline.
Comment: In summary, the available evidence is currently insufficient to determine the role of this variant in disease. Therefore, it has been classified as a Variant of Uncertain Significance. The current clinical and genetic evidence is not sufficient to establish whether loss-of-function variants in DYNC1H1 cause disease. This variant has not been reported in the literature in individuals with DYNC1H1-related conditions. This variant is not present in population databases (ExAC no frequency). This sequence change creates a premature translational stop signal (p.Phe2635Leufs*67) in the DYNC1H1 gene. It is expected to result in an absent or disrupted protein product.

NM_001376.5(DYNC1H1):c.7905del (p.Phe2635fs)

Gene: DYNC1H1 (dynein cytoplasmic 1 heavy chain 1; plus strand). Cytogenetic location: 14q32.31.
Variant type: Deletion.
Coding change: c.7905del on transcript NM_001376.5 (MANE Select); coding-DNA position 7905, one base deleted (T; older notation c.7905delT).
Protein change: p.Phe2635fs; shifts the reading frame from phenylalanine 2635.
Molecular consequence: frameshift variant.
Genome position (GRCh38, 1-based): chr14:102,017,144, T deleted; the last of 4 consecutive T bases (chr14:102,017,141-102,017,144); deleting any one gives the same sequence. VCF-style (leftmost placement, unchanged base first): chr14-102017140-CT-C. GRCh37 (hg19) VCF-style: chr14-102483477-CT-C.
Other names: short protein forms F2635fs.
Identifiers: ClinVar variation 1001270 (VCV001001270.6), dbSNP rs2048332709, ClinGen allele CA2159602186.